The following continues an entry in ClinVar:

NM_173660.5(DOK7):c.1124_1127dup (p.Ala378fs)

Gene: DOK7. ClinVar aggregate classification (germline): Pathogenic. Pathogenic (35).

Submissions 17 to 34 of 38:

Genomic Medicine Lab, University of California San Francisco
Classification: Pathogenic for Fetal akinesia deformation sequence 3. Last evaluated: 2023-09-22. Review status: criteria provided, single submitter. Criteria: ACMG Guidelines, 2015. Collection method: clinical testing. Allele origin: unknown. Affected: no.

ARUP Laboratories, Molecular Genetics and Genomics, ARUP Laboratories
Classification: Pathogenic. Last evaluated: 2023-06-29. Review status: criteria provided, single submitter. Criteria: ARUP Molecular Germline Variant Investigation Process 2024. Collection method: clinical testing. Allele origin: germline.
Comment: The DOK7 c.1124_1127dup; p.Ala378SerfsTer30 variant (rs606231128), is reported in the literature in several homozygous and compound heterozygous individuals affected with congenital myasthenic syndrome (Beeson 2006, Fernandes 2021, Lorenzoni 2020), and is the most common pathogenic variant detected in DOK7 (Lorenzoni 2020). This variant is reported as pathogenic by several laboratories in ClinVar (Variation ID: 1273). This variant is found in the non-Finnish European population with an allele frequency of 0.12% (119/99,632 alleles, including 1 homozygote) in the Genome Aggregation Database (v2.1.1). This variant causes a frameshift by inserting four nucleotides, so it is predicted to result in a truncated protein or mRNA subject to nonsense-mediated decay. Based on available information, this variant is considered to be pathogenic. REFERENCES Beeson et al. Dok-7 mutations underlie a neuromuscular junction synaptopathy. Science. 2006 Sep 29;313(5795):1975-8. PMID: 16917026. Fernandes M et al. Diagnosis of DOK7 congenital myasthenic syndrome during pregnancy: A case report and literature review. Clin Neurol Neurosurg. 2021 Apr;203:106591. PMID: 33714798. Lorenzoni PJ et al. Congenital myasthenic syndrome due to DOK7 mutation in a cohort of patients with 'unexplained' limb-girdle muscular weakness. J Clin Neurosci. 2020 May;75:195-198. PMID: 32238315.

Department of Pathology and Laboratory Medicine, Sinai Health System
Classification: Pathogenic for Congenital myasthenic syndrome 10; Fetal akinesia deformation sequence 3. Last evaluated: 2023-02-01. Review status: criteria provided, single submitter. Criteria: ACMG Guidelines, 2015. Collection method: research. Allele origin: germline.

Institute for Medical Genetics and Human Genetics, Charité - Universitätsmedizin Berlin
Classification: Pathogenic for Congenital myasthenic syndrome 10. Last evaluated: 2022-09-27. Review status: criteria provided, single submitter. Criteria: ACMG Guidelines, 2015. Collection method: clinical testing. Allele origin: germline. Inheritance: Autosomal recessive inheritance. Affected: yes. Observed: 1 compound heterozygote.

GeneDx
Classification: Pathogenic. Last evaluated: 2022-05-16. Review status: criteria provided, single submitter. Criteria: GeneDx Variant Classification Process June 2021. Collection method: clinical testing. Allele origin: germline. Affected: yes.
Comment: Published functional studies demonstrate that this variant impairs activity and its ability to induce AChR clustering (Beeson et al., 2006; Cossins et al., 2012); Frameshift variant predicted to result in protein truncation, as the last 127 amino acids are replaced with 29 different amino acids, and other loss-of-function variants have been reported downstream in the Human Gene Mutation Database (HGMD); This variant is associated with the following publications: (PMID: 26501342, 29395672, 29315608, 18626973, 32403337, 18161030, 30487145, 22661499, 26583494, 29054425, 29118959, 23657916, 33726816, 31453852, 32238315, 31447096, 30609409, 31127727, 31980526, 34103343, 34426522, 32528171, 33146414, 16917026)

Mendelics
Classification: Pathogenic for Congenital myasthenic syndrome 10. Last evaluated: 2022-05-04. Review status: criteria provided, single submitter. Criteria: Mendelics Assertion Criteria 2019. Collection method: clinical testing. Allele origin: germline.

Institute for Clinical Genetics, University Hospital TU Dresden, University Hospital TU Dresden
Classification: Pathogenic. Last evaluated: 2022-03-14. Review status: criteria provided, single submitter. Criteria: ACMG Guidelines, 2015. Collection method: clinical testing. Allele origin: germline.
Comment: PVS1, PM2_SUP, PS3, PM3

Laboratory for Molecular Medicine, Mass General Brigham Personalized Medicine
Classification: Pathogenic for Congenital myasthenic syndrome. Last evaluated: 2022-03-06. Review status: criteria provided, single submitter. Criteria: ACMG Guidelines, 2015. Collection method: clinical testing. Allele origin: germline. Inheritance: Autosomal recessive inheritance.
Comment: The p.Ala378SerfsX30 variant in DOK7 has been reported in the homozygous or compound heterozygous state in >10 individuals with congenital myasthenic syndrome (Beeson 2006 PMID: 16917026, Lorenzoni 2013 PMID: 23790237). It has also been identified in 0.12% (119/99632) of European (non-Finnish) chromosomes by gnomAD; however, this frequency is low enough to be consistent with a recessive allele frequency. This variant has also been reported in ClinVar (Variation ID: 1273). This variant is predicted to cause a frameshift, which alters the protein’s amino acid sequence beginning at position 378 and leads to a premature termination codon 30 amino acids downstream. This termination codon occurs within the last exon and is likely to escape nonsense mediated decay (NMD) and result in a truncated protein. In vitro functional studies suggest that this truncation impacts protein function (Beeson 2006 PMID: 16917026). Additionally, mouse knock-in models support a disease-causing role (Arimura 2014 PMID: 25237101). In summary, this variant meets criteria to be classified as pathogenic for autosomal recessive congenital myasthenic syndrome. ACMG/AMP Criteria applied: PVS1_Strong, PS3, PM3_Strong.

Genetics and Genomic Medicine Centre, NeuroGen Healthcare, NeuroGen Healthcare
Classification: Pathogenic for Congenital myasthenic syndrome 10. Last evaluated: 2020-12-29. Review status: criteria provided, single submitter. Criteria: Submitter's publication. Collection method: clinical testing. Allele origin: unknown. Affected: no.

Victorian Clinical Genetics Services, Murdoch Childrens Research Institute
Classification: Pathogenic for Congenital myasthenic syndrome 10. Last evaluated: 2020-05-21. Review status: criteria provided, single submitter. Criteria: ACMG Guidelines, 2015. Collection method: clinical testing. Allele origin: germline.
Comment: A homozygous frameshift duplication variant was identified, NM_173660.4(DOK7):c.1124_1127dup in exon 7 of 7 of the DOK7 gene (NB: This variant is non-coding in an alternative transcript). This duplication is predicted to cause a frameshift starting at position 378 (NP_775931.3(DOK7):p.(Ala378Serfs*30)), resulting in a loss of normal protein function through truncation (including 2 of 4 important tyrosine residues (Selcen, D. et al. (2008))). The variant is present in the gnomAD population database at a frequency of 0.07% (158 heterozygotes; 1 homozygote). The variant has previously been reported as pathogenic in homozygous and compound heterozygous state, in patients with congenital myasthenic syndrome (ClinVar, Beeson, D. et al. (2006), Selcen, D. et al. (2008), Natera-de Benito, D. et al. (2017)). In addition, functional studies showed that this variant causes impaired protein function, affecting the neuromuscular junction (Beeson, D. et al. (2006)). Other variants predicted to cause a truncated protein have been reported as pathogenic in individuals with this condition (ClinVar). Based on information available at the time of curation, this variant has been classified as PATHOGENIC. NB: Transcript NM_173660.4 was chosen for analysis because it is the most clinically relevant isoform and the impact of the variant is predicted to be the most deleterious to the protein. However, in another transcript of this gene this variant is non-coding.

Institute of Human Genetics, University of Leipzig Medical Center
Classification: Pathogenic for Congenital myasthenic syndrome 10. Last evaluated: 2020-02-25. Review status: criteria provided, single submitter. Criteria: ACMG Guidelines, 2015. Collection method: clinical testing. Allele origin: germline. Affected: yes. Observed: 1 variant allele.
Comment: This variant was identified as homozygous

Laboratorio de Genetica e Diagnostico Molecular, Hospital Israelita Albert Einstein
Classification: Pathogenic. Last evaluated: 2019-09-26. Review status: criteria provided, single submitter. Criteria: ACMG Guidelines, 2015. Collection method: clinical testing. Allele origin: germline. Affected: yes.
Comment: ACMG classification criteria: PVS1, PS3, PM3

Athena Diagnostics
Classification: Pathogenic. Last evaluated: 2017-04-13. Review status: criteria provided, single submitter. Criteria: Athena Diagnostics Criteria. Collection method: clinical testing. Allele origin: germline.

Genetic Services Laboratory, University of Chicago
Classification: Pathogenic for Myasthenia, limb-girdle, familial. Last evaluated: 2015-06-02. Review status: criteria provided, single submitter. Criteria: ACMG Guidelines, 2015. Collection method: clinical testing. Allele origin: germline. Affected: yes.

Ambry Genetics
Classification: Pathogenic for Inborn genetic diseases. Last evaluated: 2015-04-27. Review status: criteria provided, single submitter. Criteria: Ambry exome assertion method (8-5-2015). Collection method: clinical testing. Allele origin: germline. Affected: yes. Observed: 2 variant alleles.

Genomic Diagnostic Laboratory, Division of Genomic Diagnostics, Children's Hospital of Philadelphia
Classification: Pathogenic. Last evaluated: 2015-04-14. Review status: criteria provided, single submitter. Criteria: DGD Variant Analysis Guidelines. Collection method: clinical testing. Allele origin: unknown.

Eurofins Ntd Llc (ga)
Classification: Pathogenic. Last evaluated: 2014-11-23. Review status: criteria provided, single submitter. Criteria: EGL Classification Definitions. Collection method: clinical testing. Allele origin: germline. Observed: 5 variant alleles, 4 heterozygotes, 1 homozygote.

Baylor Genetics
Classification: Pathogenic for Congenital myasthenic syndrome 10. Review status: criteria provided, single submitter. Criteria: ACMG Guidelines, 2015. Collection method: clinical testing. Allele origin: germline.